The following is an entry in ClinVar:

ClinVar aggregate classification (germline): Uncertain significance. Review status: criteria provided, multiple submitters, no conflicts (2 of 4 stars). 2 submissions from 2 submitters: Uncertain significance (2). Last evaluated 2024-08-12.

Allele frequency attached by ClinVar (database versions not stated): ExAC 0.00002; gnomAD 0.00002 and 0.00003; TOPMed 0.00002; gnomAD exomes 0.00004.

Submissions (2):

Labcorp Genetics (formerly Invitae), Labcorp
Classification: Uncertain significance. Last evaluated: 2024-08-12. Review status: criteria provided, single submitter. Criteria: Invitae Variant Classification Sherloc (09022015). Collection method: clinical testing. Allele origin: germline.
Comment: This sequence change replaces valine, which is neutral and non-polar, with methionine, which is neutral and non-polar, at codon 354 of the TTLL5 protein (p.Val354Met). This variant is present in population databases (rs781509883, gnomAD 0.009%). This missense change has been observed in individual(s) with cone-rod dystrophy (PMID: 35260635). ClinVar contains an entry for this variant (Variation ID: 1480614). Advanced modeling of protein sequence and biophysical properties (such as structural, functional, and spatial information, amino acid conservation, physicochemical variation, residue mobility, and thermodynamic stability) has been performed at Invitae for this missense variant, however the output from this modeling did not meet the statistical confidence thresholds required to predict the impact of this variant on TTLL5 protein function. In summary, the available evidence is currently insufficient to determine the role of this variant in disease. Therefore, it has been classified as a Variant of Uncertain Significance.

Blueprint Genetics
Classification: Uncertain significance. Last evaluated: 2024-03-21. Review status: criteria provided, single submitter. Criteria: ACMG Guidelines, 2015. Collection method: clinical testing. Allele origin: germline.

Literature cited by the submitters: PubMed 35260635 (cited by Labcorp Genetics (formerly Invitae), Labcorp).

NM_015072.5(TTLL5):c.1060G>A (p.Val354Met)

Gene: TTLL5 (tubulin tyrosine ligase like 5; plus strand). Cytogenetic location: 14q24.3.
Variant type: single nucleotide variant.
Coding change: c.1060G>A on transcript NM_015072.5 (MANE Select); coding-DNA position 1060, G replaced by A.
Protein change: p.Val354Met; replaces valine 354 with methionine.
Molecular consequence: missense variant.
Genome position (GRCh38, 1-based): chr14:75,732,355, G>A. VCF-style: chr14-75732355-G-A. GRCh37 (hg19) VCF-style: chr14-76198698-G-A.
Other names: short protein forms V354M.
Identifiers: ClinVar variation 1480614 (VCV001480614.8), dbSNP rs781509883, ClinGen allele CA7279228.